The following is an entry in ClinVar:

ClinVar aggregate classification (germline): Conflicting classifications of pathogenicity. Review status: criteria provided, conflicting classifications (1 of 4 stars). 4 submissions from 4 submitters: Uncertain significance (1); Likely benign (2). 1 of the submissions does not count toward it. Last evaluated 2024-03-28.

Conditions:
Hereditary cancer-predisposing syndrome. Also called: Neoplastic Syndromes, Hereditary; Tumor predisposition; Hereditary Cancer Syndrome; Hereditary neoplastic syndrome. Identifiers: Orphanet 140162, MedGen C0027672, MeSH D009386, MONDO:0015356.
Hereditary breast ovarian cancer syndrome. Also called: Hereditary breast and ovarian cancer syndrome; Hereditary breast and ovarian cancer; Hereditary breast and ovarian cancer syndrome (HBOC); Breast and ovarian cancer; Hereditary breast and/or ovarian cancer syndrome; BRCA1- and BRCA2-Associated Hereditary Breast and Ovarian Cancer. Identifiers: Orphanet 145, MedGen C0677776, MeSH D061325, MONDO:0003582. Disease mechanism: loss of function.
Breast-ovarian cancer, familial, susceptibility to, 2 (BROVCA2). Also called: BRCA2 Hereditary Breast and Ovarian Cancer. Identifiers: Orphanet 145, MedGen C2675520, MONDO:0012933, OMIM 612555. Disease mechanism: loss of function.

Submissions (4):

Ambry Genetics
Classification: Likely benign for Hereditary cancer-predisposing syndrome. Last evaluated: 2024-03-28. Review status: criteria provided, single submitter. Criteria: Ambry Variant Classification Scheme 2023. Collection method: clinical testing. Allele origin: germline.

Labcorp Genetics (formerly Invitae), Labcorp
Classification: Uncertain significance for Hereditary breast ovarian cancer syndrome. Last evaluated: 2024-03-04. Review status: criteria provided, single submitter. Criteria: Invitae Variant Classification Sherloc (09022015). Collection method: clinical testing. Allele origin: germline.
Comment: This sequence change replaces threonine, which is neutral and polar, with serine, which is neutral and polar, at codon 525 of the BRCA2 protein (p.Thr525Ser). This variant is not present in population databases (gnomAD no frequency). This missense change has been observed in individual(s) with clinical features of BRCA2-related conditions (PMID: 27882536). ClinVar contains an entry for this variant (Variation ID: 51146). Advanced modeling of protein sequence and biophysical properties (such as structural, functional, and spatial information, amino acid conservation, physicochemical variation, residue mobility, and thermodynamic stability) performed at Invitae indicates that this missense variant is not expected to disrupt BRCA2 protein function with a negative predictive value of 95%. In summary, the available evidence is currently insufficient to determine the role of this variant in disease. Therefore, it has been classified as a Variant of Uncertain Significance.

University of Washington Department of Laboratory Medicine, University of Washington
Classification: Likely benign for Hereditary cancer-predisposing syndrome. Last evaluated: 2023-03-23. Review status: criteria provided, single submitter. Criteria: Dines et al. (Genet Med. 2020). Collection method: curation. Allele origin: germline.
Comment: Missense variant in a coldspot region where missense variants are very unlikely to be pathogenic (PMID:31911673).

BRCA2 exon 10 coldspot. Reclassification based on statistical prior probability.

Breast Cancer Information Core (BIC) (BRCA2)
Classification: Uncertain significance for Breast-ovarian cancer, familial 2. Last evaluated: 1998-11-30. Review status: no assertion criteria provided. Collection method: clinical testing. Allele origin: germline. Affected: yes. Observed: 1 variant allele. Not counted in ClinVar's aggregate classification.

Literature cited by the submitters: PubMed 27882536 (cited by Labcorp Genetics (formerly Invitae), Labcorp).

NM_000059.4(BRCA2):c.1573A>T (p.Thr525Ser)

Gene: BRCA2 (BRCA2 DNA repair associated; plus strand). Cytogenetic location: 13q13.1.
Variant type: single nucleotide variant.
Coding change: c.1573A>T on transcript NM_000059.4 (MANE Select); coding-DNA position 1573, A replaced by T.
Protein change: p.Thr525Ser; replaces threonine 525 with serine.
Molecular consequence: missense variant.
Genome position (GRCh38, 1-based): chr13:32,333,051, A>T. VCF-style: chr13-32333051-A-T. GRCh37 (hg19) VCF-style: chr13-32907188-A-T.
Other names: short protein forms T525S.
Identifiers: ClinVar variation 51146 (VCV000051146.9), dbSNP rs80358444, ClinGen allele CA012478.